The following is an entry in ClinVar:

ClinVar aggregate classification (germline): Uncertain significance. Review status: criteria provided, multiple submitters, no conflicts (2 of 4 stars). 2 submissions from 2 submitters: Uncertain significance (2). Last evaluated 2026-03-17.

Conditions:
Hereditary cancer-predisposing syndrome. Also called: Hereditary Cancer Syndrome; Neoplastic Syndromes, Hereditary; Tumor predisposition; Hereditary neoplastic syndrome. Identifiers: Orphanet 140162, MedGen C0027672, MeSH D009386, MONDO:0015356.
Peutz-Jeghers syndrome (PJS). Also called: POLYPOSIS, HAMARTOMATOUS INTESTINAL; POLYPS-AND-SPOTS SYNDROME; Peutz-Jeghers polyposis; Periorificial lentiginosis syndrome. Identifiers: Orphanet 2869, MedGen C0031269, MeSH D010580, MONDO:0008280, OMIM 175200.

Allele frequency attached by ClinVar (database versions not stated): gnomAD exomes below 0.00001.
gnomAD v4.1: 1 of 1,581,288 alleles (0.000063%); highest among the groups gnomAD compares: Non-Finnish European, 0.000086%; no homozygotes.

Submissions (2):

Ambry Genetics
Classification: Uncertain significance for Hereditary cancer-predisposing syndrome. Last evaluated: 2026-03-17. Review status: criteria provided, single submitter. Criteria: Ambry Variant Classification Scheme 2023. Collection method: clinical testing. Allele origin: germline.
Comment: The c.598-3C>T intronic variant results from a C to T substitution 3 nucleotides upstream from coding exon 5 in the STK11 gene. This nucleotide position is well conserved in available vertebrate species. In silico splice site analysis predicts that this alteration will not have any significant effect on splicing. Based on the available evidence, the clinical significance of this variant remains unclear.

Labcorp Genetics (formerly Invitae), Labcorp
Classification: Uncertain significance for Peutz-Jeghers syndrome. Last evaluated: 2025-05-11. Review status: criteria provided, single submitter. Criteria: Invitae Variant Classification Sherloc (09022015). Collection method: clinical testing. Allele origin: germline.
Comment: This sequence change falls in intron 4 of the STK11 gene. It does not directly change the encoded amino acid sequence of the STK11 protein. It affects a nucleotide within the consensus splice site. This variant is not present in population databases (gnomAD no frequency). This variant has not been reported in the literature in individuals affected with STK11-related conditions. ClinVar contains an entry for this variant (Variation ID: 963785). Variants that disrupt the consensus splice site are a relatively common cause of aberrant splicing (PMID: 17576681, 9536098). Algorithms developed to predict the effect of sequence changes on RNA splicing suggest that this variant is not likely to affect RNA splicing. In summary, the available evidence is currently insufficient to determine the role of this variant in disease. Therefore, it has been classified as a Variant of Uncertain Significance.

Literature cited by the submitters: PubMed 17576681 (cited by Labcorp Genetics (formerly Invitae), Labcorp); PubMed 9536098 (cited by Labcorp Genetics (formerly Invitae), Labcorp).

NM_000455.5(STK11):c.598-3C>T

Gene: STK11 (serine/threonine kinase 11; plus strand). Cytogenetic location: 19p13.3.
Variant type: single nucleotide variant.
Coding change: c.598-3C>T on transcript NM_000455.5 (MANE Select); 3 bases into the intron before coding-DNA position 598, C replaced by T.
Molecular consequence: intron variant.
Genome position (GRCh38, 1-based): chr19:1,220,578, C>T. VCF-style: chr19-1220578-C-T. GRCh37 (hg19) VCF-style: chr19-1220577-C-T.
Identifiers: ClinVar variation 963785 (VCV000963785.12), dbSNP rs2080775782, ClinGen allele CA645604083.
Genomic context (GRCh38, chr19:1,220,578, plus strand): 5'-TAGGGGGGGCCCTGGGGCGCCCCCTCCCGGGCACTCCCTGAGGGCTGCACGGCACCGCCA[C>T]AGGCACTGCACCCGTTCGCGGCGGACGACACCTGCCGGACCAGCCAGGGCTCCCCGGCTT-3'